The following is an entry in ClinVar:

NM_032119.4(ADGRV1):c.8321T>C (p.Leu2774Ser)

Gene: ADGRV1 (adhesion G protein-coupled receptor V1; plus strand). Cytogenetic location: 5q14.3.
Variant type: single nucleotide variant.
Coding change: c.8321T>C on transcript NM_032119.4 (MANE Select); coding-DNA position 8321, T replaced by C.
Protein change: p.Leu2774Ser; replaces leucine 2774 with serine.
Molecular consequence: missense variant. On other transcripts: non-coding transcript variant (1).
Genome position (GRCh38, 1-based): chr5:90,704,423, T>C. VCF-style: chr5-90704423-T-C. GRCh37 (hg19) VCF-style: chr5-90000240-T-C.
Other names: short protein forms L2774S.
Identifiers: ClinVar variation 5019001 (VCV005019001.2).

ClinVar aggregate classification (germline): Uncertain significance (1 of 4 stars; one submission).

Conditions:
Usher syndrome type 2C. Also called: Usher syndrome, type 2B; USHER SYNDROME, TYPE IIC. Identifiers: Orphanet 231178, Orphanet 886, MedGen C2931213, MONDO:0011558, OMIM 605472.
Febrile seizures, familial, 4 (FEB4). Also called: CONVULSIONS, FAMILIAL FEBRILE, 4. Identifiers: MedGen C1858493, MONDO:0011443, OMIM 604352.

gnomAD v4.1: 1 of 1,583,164 alleles (0.000063%); highest among the groups gnomAD compares: East Asian, 0.0023%; no homozygotes.

Submission:

Juno Genomics, Hangzhou Juno Genomics, Inc
Classification: Uncertain significance for Usher syndrome type 2C; Febrile seizures, familial, 4. Review status: criteria provided, single submitter. Criteria: ACMG Guidelines, 2015. Collection method: clinical testing. Allele origin: germline.
Comment: Absent from controls (or at extremely low frequency if recessive) in Genome Aggregation Database.